The following is an entry in ClinVar:

ClinVar aggregate classification (germline): Uncertain significance (1 of 4 stars; one submission).

Allele frequency attached by ClinVar (database versions not stated): gnomAD exomes below 0.00001.
gnomAD v4.1: 1 of 1,611,360 alleles (0.000062%); highest among the groups gnomAD compares: Non-Finnish European, 0.000085%; no homozygotes.

Submission:

Labcorp Genetics (formerly Invitae), Labcorp
Classification: Uncertain significance. Last evaluated: 2023-06-24. Review status: criteria provided, single submitter. Criteria: Invitae Variant Classification Sherloc (09022015). Collection method: clinical testing. Allele origin: germline.
Comment: This sequence change falls in intron 10 of the ACTN1 gene. It does not directly change the encoded amino acid sequence of the ACTN1 protein. This variant is not present in population databases (gnomAD no frequency). This variant has not been reported in the literature in individuals affected with ACTN1-related conditions. Algorithms developed to predict the effect of sequence changes on RNA splicing suggest that this variant may disrupt the consensus splice site. In summary, the available evidence is currently insufficient to determine the role of this variant in disease. Therefore, it has been classified as a Variant of Uncertain Significance.

NM_001130004.2(ACTN1):c.1086+18G>A

Gene: ACTN1 (actinin alpha 1; minus strand). Cytogenetic location: 14q24.1.
Variant type: single nucleotide variant.
Coding change: c.1086+18G>A on transcript NM_001130004.2 (MANE Select); 18 bases into the intron after coding-DNA position 1086, G replaced by A.
Molecular consequence: intron variant.
Genome position (GRCh38, 1-based): chr14:68,892,035, C>T on the plus strand (G>A on the coding strand, the complement: ACTN1 is on the minus strand). VCF-style: chr14-68892035-C-T. GRCh37 (hg19) VCF-style: chr14-69358752-C-T.
Other names: c.1086+18G>A (NM_001424029.1, NM_001424027.1, NM_001424025.1 and 9 more transcripts); c.261+18G>A (NM_001424030.1); c.1212+18G>A (NM_001424013.1); c.1023+18G>A (NM_001424022.1, NM_001424020.1, NM_001424018.1); c.891+18G>A (NM_001424026.1, NM_001424028.1, NM_001411036.1); c.1017+18G>A (NM_001424021.1); c.1083+18G>A (NM_001424017.1); c.1173+18G>A (NM_001424015.1).
Identifiers: ClinVar variation 2807220 (VCV002807220.3), dbSNP rs1168140671, ClinGen allele CA2625402849.